The following is an entry in ClinVar:

ClinVar aggregate classification (germline): Uncertain significance (1 of 4 stars; one submission).

Conditions:
Long QT syndrome (LQTS). Identifiers: MedGen C0023976, MeSH D008133, MONDO:0002442. Disease mechanism: loss of function. Inheritance: Various modes of inheritance.

gnomAD v4.1: 1 of 1,613,876 alleles (0.000062%); highest among the groups gnomAD compares: Non-Finnish European, 0.000085%; no homozygotes.

Submission:

Labcorp Genetics (formerly Invitae), Labcorp
Classification: Uncertain significance for Long QT syndrome. Last evaluated: 2022-09-10. Review status: criteria provided, single submitter. Criteria: Invitae Variant Classification Sherloc (09022015). Collection method: clinical testing. Allele origin: germline.
Comment: This variant is not present in population databases (gnomAD no frequency). In summary, the available evidence is currently insufficient to determine the role of this variant in disease. Therefore, it has been classified as a Variant of Uncertain Significance. Algorithms developed to predict the effect of missense changes on protein structure and function output the following: SIFT: "Tolerated"; PolyPhen-2: "Benign"; Align-GVGD: "Class C0". The asparagine amino acid residue is found in multiple mammalian species, which suggests that this missense change does not adversely affect protein function. This variant has not been reported in the literature in individuals affected with AKAP9-related conditions. This sequence change replaces serine, which is neutral and polar, with asparagine, which is neutral and polar, at codon 2707 of the AKAP9 protein (p.Ser2707Asn).

NM_005751.5(AKAP9):c.8120G>A (p.Ser2707Asn)

Gene: AKAP9 (A-kinase anchoring protein 9; plus strand). Cytogenetic location: 7q21.2.
Variant type: single nucleotide variant.
Coding change: c.8120G>A on transcript NM_005751.5 (MANE Select); coding-DNA position 8120, G replaced by A.
Protein change: p.Ser2707Asn; replaces serine 2707 with asparagine.
Molecular consequence: missense variant.
Genome position (GRCh38, 1-based): chr7:92,082,622, G>A. VCF-style: chr7-92082622-G-A. GRCh37 (hg19) VCF-style: chr7-91711936-G-A.
Other names: c.2765G>A, p.Ser922Asn (NM_001379277.1); c.8096G>A, p.Ser2699Asn (NM_147185.3); short protein forms S2699N, S2707N, S922N.
Identifiers: ClinVar variation 1719168 (VCV001719168.5), dbSNP rs1563110498, ClinGen allele CA368137391.